The following is an entry in ClinVar:

ClinVar aggregate classification (germline): Uncertain significance (1 of 4 stars; one submission).

Submission:

GeneDx
Classification: Uncertain significance. Last evaluated: 2026-02-14. Review status: criteria provided, single submitter. Criteria: GeneDx Variant Classification Process June 2021. Collection method: clinical testing. Allele origin: germline.
Comment: Not observed at significant frequency in large population cohorts (gnomAD); In silico analysis supports that this missense variant has a deleterious effect on protein structure/function; Has not been previously published as pathogenic or benign to our knowledge

NM_004035.7(ACOX1):c.1822G>A (p.Asp608Asn)

Gene: ACOX1 (acyl-CoA oxidase 1; minus strand). Cytogenetic location: 17q25.1.
Variant type: single nucleotide variant.
Coding change: c.1822G>A on transcript NM_004035.7 (MANE Select); coding-DNA position 1822, G replaced by A.
Protein change: p.Asp608Asn; replaces aspartic acid 608 with asparagine.
Molecular consequence: missense variant.
Genome position (GRCh38, 1-based): chr17:75,948,364, C>T on the plus strand (G>A on the coding strand, the complement: ACOX1 is on the minus strand). VCF-style: chr17-75948364-C-T. GRCh37 (hg19) VCF-style: chr17-73944445-C-T.
Other names: c.1708G>A, p.Asp570Asn (NM_001185039.2); c.1822G>A, p.Asp608Asn (NM_007292.6); short protein forms D570N, D608N.
Identifiers: ClinVar variation 5009275 (VCV005009275.1).